The following is an entry in ClinVar:

ClinVar aggregate classification (germline): Uncertain significance (0 of 4 stars; one submission).

Conditions:
Prostate cancer. Also called: Malignant tumor of prostate. Identifiers: Orphanet 1331, MedGen C0376358, MONDO:0008315, HP:0012125.

Submission:

Science for Life laboratory,  Karolinska Institutet
Classification: Uncertain significance for Malignant tumor of prostate. Review status: no assertion criteria provided. Collection method: not provided. Allele origin: somatic.
Comment: TumorID:SWE-6
ClinVar note: Converted during submission from Unknown to Uncertain significance.

NM_173531.4(ZNF100):c.407del (p.Gly136fs)

Gene: ZNF100 (zinc finger protein 100; minus strand). Cytogenetic location: 19p12.
Variant type: Deletion.
Coding change: c.407del on transcript NM_173531.4 (MANE Select); coding-DNA position 407, one base deleted (G; older notation c.407delG).
Protein change: p.Gly136fs; shifts the reading frame from glycine 136.
Molecular consequence: frameshift variant. On other transcripts: 5 prime UTR variant (1).
Genome position (GRCh38, 1-based): chr19:21,727,905, C deleted on the plus strand (G on the coding strand, the reverse complement: ZNF100 is on the minus strand); the first of 2 consecutive C bases (chr19:21,727,905-21,727,906); deleting either gives the same sequence. VCF-style (leftmost placement, unchanged base first): chr19-21727904-TC-T. GRCh37 (hg19) VCF-style: chr19-21910706-TC-T.
Other names: c.404del, p.Gly135fs (NM_001351669.2); c.308del, p.Gly103fs (NM_001351670.2); c.104del, p.Gly35fs (NM_001351671.2); c.-239del (NM_001351672.2); short protein forms G103fs, G35fs, G135fs, G136fs.
Identifiers: ClinVar variation 161828 (VCV000161828.2), dbSNP rs193921016, ClinGen allele CA174864.